The following is an entry in ClinVar:

ClinVar aggregate classification (germline): Uncertain significance (1 of 4 stars; one submission).

Conditions:
Hereditary nonpolyposis colorectal neoplasms. Identifiers: MedGen C0009405, MeSH D003123.

Submission:

Labcorp Genetics (formerly Invitae), Labcorp
Classification: Uncertain significance for Hereditary nonpolyposis colon cancer. Last evaluated: 2019-09-03. Review status: criteria provided, single submitter. Criteria: Invitae Variant Classification Sherloc (09022015). Collection method: clinical testing. Allele origin: germline.
Comment: This variant is a gross duplication of the genomic region encompassing exons 1-7 of the EPCAM gene. The 5' end of this event is unknown as it extends beyond the assayed region for this gene and therefore may encompass additional genes. The 3' boundary is likely confined to intron 7 of the EPCAM gene. The exact location of this variant in the genome is unknown. This variant has not been reported in the literature in individuals with EPCAM-related disease. Experimental studies and prediction algorithms are not available for this variant, and the functional significance of this duplication is currently unknown. In summary, this is a novel duplication with uncertain impact on protein function. It has been classified as a Variant of Uncertain Significance.

NC_000002.12:g.(?_47369506)_(47379979_?)dup

Gene: EPCAM (epithelial cell adhesion molecule; plus strand). Cytogenetic location: 2p21.
Variant type: Duplication.
Identifiers: ClinVar variation 832099 (VCV000832099.1).